The following is an entry in ClinVar:

ClinVar aggregate classification (germline): Pathogenic (1 of 4 stars; one submission).

Conditions:
Primary ciliary dyskinesia. Also called: Ciliary dyskinesia. Identifiers: Orphanet 244, MedGen C0008780, MONDO:0016575, HP:0012265.

Submission:

Labcorp Genetics (formerly Invitae), Labcorp
Classification: Pathogenic for Primary ciliary dyskinesia. Last evaluated: 2020-06-02. Review status: criteria provided, single submitter. Criteria: Invitae Variant Classification Sherloc (09022015). Collection method: clinical testing. Allele origin: germline.
Comment: This sequence change creates a premature translational stop signal (p.His695Profs*3) in the DNAH8 gene. It is expected to result in an absent or disrupted protein product. This variant is not present in population databases (ExAC no frequency). This variant has not been reported in the literature in individuals with DNAH8-related conditions. Loss-of-function variants in DNAH8 are known to be pathogenic (PMID: 24307375). For these reasons, this variant has been classified as Pathogenic.

Literature cited by the submitters: PubMed 24307375.

NM_001206927.2(DNAH8):c.2084del (p.His695fs)

Gene: DNAH8 (dynein axonemal heavy chain 8; plus strand). Cytogenetic location: 6p21.2.
Variant type: Deletion.
Coding change: c.2084del on transcript NM_001206927.2 (MANE Select); coding-DNA position 2084, one base deleted (A; older notation c.2084delA).
Protein change: p.His695fs; shifts the reading frame from histidine 695.
Molecular consequence: frameshift variant.
Genome position (GRCh38, 1-based): chr6:38,780,010, A deleted. VCF-style (leftmost placement, unchanged base first): chr6-38780009-CA-C. GRCh37 (hg19) VCF-style: chr6-38747785-CA-C.
Other names: c.1433del, p.His478fs (NM_001371.4); short protein forms H478fs, H695fs.
Identifiers: ClinVar variation 1074619 (VCV001074619.7), dbSNP rs2127637299, ClinGen allele CA2499218248.
Genomic context (GRCh38, chr6:38,780,009, plus strand): 5'-GCTTTGATTACTTTTAGGTTTCAGAAGCTGAACATTCCCTGTCTGGGATTAGAAATAAAC[CA>C]CACAATAGAGCGTATTCTTCAGTACTATGTGGCTGAACTTGATGCTACTAAGAAGGCAAG-3'